The following is an entry in ClinVar:

NM_201384.3(PLEC):c.3233G>T (p.Arg1078Leu)

Gene: PLEC (plectin; minus strand). Cytogenetic location: 8q24.3.
Variant type: single nucleotide variant.
Coding change: c.3233G>T on transcript NM_201384.3 (MANE Select); coding-DNA position 3233, G replaced by T.
Protein change: p.Arg1078Leu; replaces arginine 1078 with leucine.
Molecular consequence: missense variant.
Genome position (GRCh38, 1-based): chr8:143,929,130, C>A on the plus strand (G>T on the coding strand, the complement: PLEC is on the minus strand). VCF-style: chr8-143929130-C-A. GRCh37 (hg19) VCF-style: chr8-145003298-C-A.
Other names: c.3314G>T, p.Arg1105Leu (NM_000445.5); c.3191G>T, p.Arg1064Leu (NM_201378.4); c.3167G>T, p.Arg1056Leu (NM_201379.3); c.3644G>T, p.Arg1215Leu (NM_201380.4); c.3137G>T, p.Arg1046Leu (NM_201381.3); c.3233G>T, p.Arg1078Leu (NM_201382.4); c.3245G>T, p.Arg1082Leu (NM_201383.3); short protein forms R1046L, R1056L, R1064L, R1078L, R1082L, R1105L, R1215L.
Identifiers: ClinVar variation 1052296 (VCV001052296.5), dbSNP rs1330807133, ClinGen allele CA372568565.

ClinVar aggregate classification (germline): Uncertain significance (1 of 4 stars; one submission).

Conditions:
Epidermolysis bullosa simplex 5B, with muscular dystrophy (EBS5B). Also called: Epidermolysis bullosa simplex with muscular dystrophy; EPIDERMOLYSIS BULLOSA SIMPLEX AND LIMB-GIRDLE MUSCULAR DYSTROPHY. Identifiers: Orphanet 257, MedGen C2931072, MONDO:0009181, OMIM 226670.
Epidermolysis bullosa simplex 5C, with pyloric atresia (EBS5C). Also called: Epidermolysis bullosa simplex with pyloric atresia; PLEC-Related Epidermolysis Bullosa with Pyloric Atresia; PLEC1-Related Epidermolysis Bullosa with Pyloric Atresia. Identifiers: Orphanet 158684, MedGen C2677349, MONDO:0012807, OMIM 612138.
Epidermolysis bullosa simplex, Ogna type (EBS5A). Also called: Pidermolysis bullosa simplex 5A, Ogna type; EPIDERMOLYSIS BULLOSA SIMPLEX 5A, OGNA TYPE. Identifiers: Orphanet 79401, MedGen C0432317, MONDO:0007555, OMIM 131950.
Autosomal recessive limb-girdle muscular dystrophy type 2Q (LGMDR17). Also called: MUSCULAR DYSTROPHY, LIMB-GIRDLE, AUTOSOMAL RECESSIVE 17. Identifiers: Orphanet 254361, MedGen C3150989, MONDO:0013390, OMIM 613723.
Epidermolysis bullosa simplex with nail dystrophy (EBS5D). Identifiers: MedGen C4225309, MONDO:0014661, OMIM 616487.

Allele frequency attached by ClinVar (database versions not stated): gnomAD exomes 0.00001.
gnomAD v4.1: 4 of 1,584,062 alleles (0.00025%); highest among the groups gnomAD compares: East Asian, 0.0046%; no homozygotes.

Submission:

Labcorp Genetics (formerly Invitae), Labcorp
Classification: Uncertain significance for Autosomal recessive limb-girdle muscular dystrophy type 2Q; Epidermolysis bullosa simplex, Ogna type; Epidermolysis bullosa simplex with nail dystrophy; Epidermolysis bullosa simplex 5C, with pyloric atresia; Epidermolysis bullosa simplex 5B, with muscular dystrophy. Last evaluated: 2022-02-11. Review status: criteria provided, single submitter. Criteria: Invitae Variant Classification Sherloc (09022015). Collection method: clinical testing. Allele origin: germline.
Comment: In summary, the available evidence is currently insufficient to determine the role of this variant in disease. Therefore, it has been classified as a Variant of Uncertain Significance. This sequence change replaces arginine, which is basic and polar, with leucine, which is neutral and non-polar, at codon 1105 of the PLEC protein (p.Arg1105Leu). The frequency data for this variant in the population databases is considered unreliable, as metrics indicate poor data quality at this position in the gnomAD database. This variant has not been reported in the literature in individuals affected with PLEC-related conditions. ClinVar contains an entry for this variant (Variation ID: 1052296). Algorithms developed to predict the effect of missense changes on protein structure and function are either unavailable or do not agree on the potential impact of this missense change (SIFT: "Tolerated"; PolyPhen-2: "Not Available"; Align-GVGD: "Class C0").